The following is an entry in ClinVar:

NM_182914.3(SYNE2):c.16156C>T (p.Leu5386Phe)

Gene: SYNE2 (spectrin repeat containing nuclear envelope protein 2; plus strand). Cytogenetic location: 14q23.2.
Variant type: single nucleotide variant.
Coding change: c.16156C>T on transcript NM_182914.3 (MANE Select); coding-DNA position 16156, C replaced by T.
Protein change: p.Leu5386Phe; replaces leucine 5386 with phenylalanine.
Molecular consequence: missense variant.
Genome position (GRCh38, 1-based): chr14:64,162,133, C>T. VCF-style: chr14-64162133-C-T. GRCh37 (hg19) VCF-style: chr14-64628851-C-T.
Other names: c.16156C>T, p.Leu5386Phe (NM_015180.6); short protein forms L5386F.
Identifiers: ClinVar variation 470944 (VCV000470944.22), dbSNP rs184745422, ClinGen allele CA7223288.

ClinVar aggregate classification (germline): Conflicting classifications of pathogenicity. Review status: criteria provided, conflicting classifications (1 of 4 stars). 6 submissions from 6 submitters: Uncertain significance (1); Benign (1); Likely benign (3). 1 of the submissions does not count toward it. Last evaluated 2026-03-01.

Conditions:
Emery-Dreifuss muscular dystrophy 5, autosomal dominant (EDMD5). Also called: EMERY-DREIFUSS MUSCULAR DYSTROPHY 5. Identifiers: Orphanet 261, MedGen C2751805, MONDO:0013072, OMIM 612999.

Allele frequency attached by ClinVar (database versions not stated): ExAC 0.00007; gnomAD exomes 0.00010 and 0.00040; TOPMed 0.00119; gnomAD 0.00137 and 0.00140; 1000 Genomes Project 0.00140; 1000 Genomes Project 30x 0.00172.
gnomAD v4.1: 347 of 1,614,196 alleles (0.021%); highest among the groups gnomAD compares: Admixed American, 0.56%; 6 homozygotes.

Submissions (6):

CeGaT Center for Human Genetics Tuebingen
Classification: Likely benign. Last evaluated: 2026-03-01. Review status: criteria provided, single submitter. Criteria: CeGaT Center For Human Genetics Tuebingen Variant Classification Criteria Version 2. Collection method: clinical testing. Allele origin: germline. Affected: yes. Observed: 1 variant allele.
Comment: SYNE2: BP4, BS1

Ambry Genetics
Classification: Uncertain significance. Last evaluated: 2025-11-17. Review status: criteria provided, single submitter. Criteria: Ambry Variant Classification Scheme 2023. Collection method: clinical testing. Allele origin: germline.

Labcorp Genetics (formerly Invitae), Labcorp
Classification: Likely benign for Emery-Dreifuss muscular dystrophy 5, autosomal dominant. Last evaluated: 2025-11-12. Review status: criteria provided, single submitter. Criteria: Invitae Variant Classification Sherloc (09022015). Collection method: clinical testing. Allele origin: germline.

Illumina Laboratory Services, Illumina
Classification: Benign for Emery-Dreifuss muscular dystrophy 5, autosomal dominant. Last evaluated: 2018-03-06. Review status: criteria provided, single submitter. Criteria: ICSL Variant Classification Criteria 13 December 2019. Collection method: clinical testing. Allele origin: germline.
Comment: This variant was observed in the ICSL laboratory as part of a predisposition screen in an ostensibly healthy population. It had not been previously curated by ICSL or reported in the Human Gene Mutation Database (HGMD: prior to June 1st, 2018), and was therefore a candidate for classification through an automated scoring system. Utilizing variant allele frequency, disease prevalence and penetrance estimates, and inheritance mode, an automated score was calculated to assess if this variant is too frequent to cause the disease. Based on the score and internal cut-off values, a variant classified as benign is not then subjected to further curation. The score for this variant resulted in a classification of benign for this disease.

Breakthrough Genomics
Classification: Likely benign. Review status: criteria provided, single submitter. Criteria: ACMG Guidelines, 2015. Collection method: not provided. Allele origin: germline. Inheritance: Autosomal dominant inheritance. Affected: yes.

Department of Pathology and Laboratory Medicine, Sinai Health System
Classification: Benign. Review status: no assertion criteria provided. Collection method: clinical testing. Allele origin: unknown. Affected: yes. Study: The Canadian Open Genetics Repository (COGR). Not counted in ClinVar's aggregate classification.
Comment: The SYNE2 p.L5386F variant was not identified in the literature but was identified in dbSNP (ID: rs184745422) and ClinVar (classified as likely benign by Invitae and as benign by Illumina). The variant was identified in control databases in 101 of 282700 chromosomes (2 homozygous) at a frequency of 0.0003573, and was observed at the highest frequency in the Latino population in 98 of 35436 chromosomes (2 homozygous) (freq: 0.002766) (Genome Aggregation Database March 6, 2019, v2.1.1). This frequency is greater than expected for the autosomal dominant Emery-Dreifuss muscular dystrophy 5 condition associated with SYNE2 variants. The p.L5386 residue is conserved in mammals and computational analyses (MUT Assesor, PolyPhen- 2, SIFT, MutationTaster, Revel, FATHMM, MetaLR, DANN) provide inconsistent predictions regarding the impact to the protein; this information is not very predictive of pathogenicity. The variant occurs outside of the splicing consensus sequence and in silico or computational prediction software programs (Splice AI exome) do not predict a difference in splicing. In summary, based on the above information this variant meets our laboratory's criteria to be classified as benign.